The following is an entry in ClinVar:

NM_000260.4(MYO7A):c.1798G>A (p.Gly600Ser)

Gene: MYO7A (myosin VIIA; plus strand). Cytogenetic location: 11q13.5.
Variant type: single nucleotide variant.
Coding change: c.1798G>A on transcript NM_000260.4 (MANE Select); coding-DNA position 1798, G replaced by A.
Protein change: p.Gly600Ser; replaces glycine 600 with serine.
Molecular consequence: missense variant.
Genome position (GRCh38, 1-based): chr11:77,172,748, G>A. VCF-style: chr11-77172748-G-A. GRCh37 (hg19) VCF-style: chr11-76883794-G-A.
Other names: c.1798G>A, p.Gly600Ser (NM_001127180.2); c.1765G>A, p.Gly589Ser (NM_001369365.1); short protein forms G600S, G589S.
Identifiers: ClinVar variation 1511284 (VCV001511284.8), dbSNP rs2135406234, ClinGen allele CA381938139.

ClinVar aggregate classification (germline): Uncertain significance (1 of 4 stars; one submission).

Allele frequency attached by ClinVar (database versions not stated): gnomAD exomes below 0.00001.
gnomAD v4.1: 2 of 1,555,742 alleles (0.00013%); highest among the groups gnomAD compares: African/African-American, 0.0014%; no homozygotes.

Submission:

Labcorp Genetics (formerly Invitae), Labcorp
Classification: Uncertain significance. Last evaluated: 2022-11-15. Review status: criteria provided, single submitter. Criteria: Invitae Variant Classification Sherloc (09022015). Collection method: clinical testing. Allele origin: germline.
Comment: This variant has not been reported in the literature in individuals affected with MYO7A-related conditions. This variant is not present in population databases (gnomAD no frequency). This sequence change replaces glycine, which is neutral and non-polar, with serine, which is neutral and polar, at codon 600 of the MYO7A protein (p.Gly600Ser). In summary, the available evidence is currently insufficient to determine the role of this variant in disease. Therefore, it has been classified as a Variant of Uncertain Significance. Algorithms developed to predict the effect of missense changes on protein structure and function are either unavailable or do not agree on the potential impact of this missense change (SIFT: "Deleterious"; PolyPhen-2: "Possibly Damaging"; Align-GVGD: "Class C0"). ClinVar contains an entry for this variant (Variation ID: 1511284).